The following is an entry in ClinVar:

ClinVar aggregate classification (germline): Pathogenic (1 of 4 stars; one submission).

Conditions:
Neurofibromatosis, type 1 (NF1). Also called: NEUROFIBROMATOSIS, TYPE I, SOMATIC; VON RECKLINGHAUSEN DISEASE; Peripheral type neurofibromatosis; Neurofibromatosis, type I. Identifiers: Orphanet 636, MedGen C0027831, MONDO:0018975, OMIM 162200. Disease mechanism: loss of function.

Submission:

Labcorp Genetics (formerly Invitae), Labcorp
Classification: Pathogenic for Neurofibromatosis, type 1. Last evaluated: 2025-07-29. Review status: criteria provided, single submitter. Criteria: Invitae Variant Classification Sherloc (09022015). Collection method: clinical testing. Allele origin: germline.
Comment: This sequence change creates a premature translational stop signal (p.Pro2533Argfs*19) in the NF1 gene. It is expected to result in an absent or disrupted protein product. Loss-of-function variants in NF1 are known to be pathogenic (PMID: 10712197, 23913538). This variant is not present in population databases (gnomAD no frequency). This variant has not been reported in the literature in individuals affected with NF1-related conditions. Algorithms developed to predict the effect of sequence changes on RNA splicing suggest that this variant may disrupt the consensus splice site. For these reasons, this variant has been classified as Pathogenic.

Literature cited by the submitters: PubMed 10712197; PubMed 23913538.

NM_001042492.3(NF1):c.7659_7669del (p.Pro2554fs)

Gene: NF1 (neurofibromin 1; plus strand). Cytogenetic location: 17q11.2.
Variant type: Deletion.
Coding change: c.7659_7669del on transcript NM_001042492.3 (MANE Select); coding-DNA positions 7659 to 7669, 11 bases deleted (TCCTAAAAGGC).
Protein change: p.Pro2554fs; shifts the reading frame from proline 2554.
Molecular consequence: frameshift variant.
Genome position (GRCh38, 1-based): chr17:31,356,503-31,356,513, TCCTAAAAGGC deleted; deleting any 11 consecutive bases within chr17:31,356,497-31,356,513 gives the same sequence; the c. name uses the placement nearest the transcript's 3' end. VCF-style (leftmost placement, unchanged base first): chr17-31356496-CAAAGGCTCCTA-C. GRCh37 (hg19) VCF-style: chr17-29683514-CAAAGGCTCCTA-C.
Other names: c.7596_7606del, p.Pro2533fs (NM_000267.4); short protein forms P2533fs, P2554fs.
Identifiers: ClinVar variation 4724218 (VCV004724218.1).